The following is an entry in ClinVar:

Single allele

Variant type: Duplication.
Identifiers: ClinVar variation 4277363 (VCV004277363.1).

ClinVar aggregate classification (germline): Pathogenic (1 of 4 stars; one submission).

Conditions:
Follicular atrophoderma and basal cell epitheliomata (BDCS). Also called: FOLLICULAR ATROPHODERMA AND BASAL CELL CARCINOMAS; Bazex-Dupre-Christol syndrome. Identifiers: Orphanet 113, MedGen C0346104, MONDO:0010535, OMIM 301845.

Submission:

Undiagnosed Diseases Network, NIH
Classification: Pathogenic for Follicular atrophoderma and basal cell epitheliomata. Last evaluated: 2024-12-16. Review status: criteria provided, single submitter. Criteria: ACMG Guidelines, 2015. Collection method: clinical testing. Allele origin: maternal. Affected: yes. Observed: 1 variant allele, 1 hemizygote. Study: Undiagnosed Diseases Network (NIH), UDN.
Comment: 20kb duplication in the Xq26.1 region, flanked by the ARHGAP36 and IGSF1, identified through long read DNA sequencing (HiFi).

Literature cited by the submitters: PubMed 35986704.